The following is an entry in ClinVar:

ClinVar aggregate classification (germline): Uncertain significance (1 of 4 stars; one submission).

Conditions:
Genitopatellar syndrome (GTPTS). Also called: Genitopatellar syndrome (GPS); ABSENT PATELLAE, SCROTAL HYPOPLASIA, RENAL ANOMALIES, FACIAL DYSMORPHISM, AND MENTAL RETARDATION. Identifiers: Orphanet 85201, MedGen C1853566, MONDO:0011640, OMIM 606170.
Blepharophimosis - intellectual disability syndrome, SBBYS type (SBBYSS). Also called: Say-Barber-Biesecker-Young-Simpson syndrome; Say-Barber-Biesecker variant of Ohdo syndrome (SBBYSS); Say-Barber-Biesecker-Young-Simpson variant of Ohdo Syndrome; Ohdo syndrome, SBBYS variant; Young Simpson syndrome; Mental retardation unusual facies hypothyroidism. Identifiers: Orphanet 3047, MedGen C1863557, MONDO:0011365, OMIM 603736.

Submission:

Juno Genomics, Hangzhou Juno Genomics, Inc
Classification: Uncertain significance for Blepharophimosis - intellectual disability syndrome, SBBYS type; Genitopatellar syndrome. Review status: criteria provided, single submitter. Criteria: ACMG Guidelines, 2015. Collection method: clinical testing. Allele origin: germline.
Comment: Absent from controls (or at extremely low frequency if recessive) in Genome Aggregation Database.;Protein length changes due to in-frame deletions/insertions in a non-repeat region or stop-loss variants.

NM_012330.4(KAT6B):c.4510GAG[1] (p.Glu1505del)

Gene: KAT6B (lysine acetyltransferase 6B; plus strand). Cytogenetic location: 10q22.2.
Variant type: Microsatellite.
Coding change: c.4510GAG[1] on transcript NM_012330.4 (MANE Select); one copy of the 3-base unit GAG starting at c.4510; the reference has two copies in a row; one copy, 3 bases deleted; also written c.4513_4515del.
Protein change: p.Glu1505del; deletes glutamic acid 1505.
Molecular consequence: inframe deletion.
Genome position (GRCh38, 1-based): chr10:75,029,337-75,029,339, GAG deleted; deleting any 3 consecutive bases within chr10:75,029,334-75,029,339 gives the same sequence; the position shown is the placement nearest the transcript's 3' end. VCF-style (leftmost placement, unchanged base first): chr10-75029333-CGAG-C. GRCh37 (hg19) VCF-style: chr10-76789091-CGAG-C.
Other names: c.4513_4515del (NM_012330.4); c.3961GAG[1], p.Glu1322del (NM_001256468.2, NM_001370138.1); c.3634GAG[1], p.Glu1213del (NM_001256469.2, NM_001370139.1, NM_001370140.1 and 2 more transcripts); c.3472GAG[1], p.Glu1159del (NM_001370132.1); c.2821GAG[1], p.Glu942del (NM_001370133.1); c.2425GAG[1], p.Glu810del (NM_001370134.1); c.2167GAG[1], p.Glu724del (NM_001370135.1); c.4510GAG[1], p.Glu1505del (NM_001370136.1, NM_001370137.1); and 1 more; short protein forms E1150del, E1159del, E1213del, E1322del, E1505del, E724del, E810del, E942del.
Identifiers: ClinVar variation 5018920 (VCV005018920.2).